The following is an entry in ClinVar:

NM_001099922.3(ALG13):c.3221A>T (p.Tyr1074Phe)

Gene: ALG13 (ALG13 UDP-N-acetylglucosaminyltransferase subunit; plus strand). Cytogenetic location: Xq23.
Variant type: single nucleotide variant.
Coding change: c.3221A>T on transcript NM_001099922.3 (MANE Select); coding-DNA position 3221, A replaced by T.
Protein change: p.Tyr1074Phe; replaces tyrosine 1074 with phenylalanine.
Molecular consequence: missense variant. On other transcripts: non-coding transcript variant (1).
Genome position (GRCh38, 1-based): chrX:111,759,806, A>T. VCF-style: chrX-111759806-A-T. GRCh37 (hg19) VCF-style: chrX-111003034-A-T.
Other names: c.2672A>T, p.Tyr891Phe (NM_001257230.2, NM_001257234.2, NM_001257237.2); c.2987A>T, p.Tyr996Phe (NM_001257231.2); c.2984A>T, p.Tyr995Phe (NM_001324292.2); c.2498A>T, p.Tyr833Phe (NM_001324293.1); short protein forms Y1074F, Y891F, Y995F, Y996F, Y833F.
Identifiers: ClinVar variation 473114 (VCV000473114.15), dbSNP rs372990620, ClinGen allele CA10494064.

ClinVar aggregate classification (germline): Likely benign. Review status: criteria provided, multiple submitters, no conflicts (2 of 4 stars). 3 submissions from 3 submitters: Likely benign (2). 1 of the submissions does not count toward it. Last evaluated 2025-08-08.

Conditions:
Developmental and epileptic encephalopathy, 36 (DEE36). Also called: Congenital disorder of glycosylation, type Is; ALG13-CDG; Epileptic encephalopathy, early infantile, 36. Identifiers: Orphanet 324422, MedGen C4317295, MONDO:0010472, OMIM 300884.
ALG13-related disorder. Also called: ALG13-related condition.

Allele frequency attached by ClinVar (database versions not stated): TOPMed 0.00010; ESP Exome Variant Server 0.00012.
gnomAD v4.1: 18 of 1,208,128 alleles (0.0015%); highest among the groups gnomAD compares: African/African-American, 0.028%; no homozygotes.

Submissions (3):

Labcorp Genetics (formerly Invitae), Labcorp
Classification: Likely benign for Developmental and epileptic encephalopathy, 36. Last evaluated: 2025-08-08. Review status: criteria provided, single submitter. Criteria: Invitae Variant Classification Sherloc (09022015). Collection method: clinical testing. Allele origin: germline.

GeneDx
Classification: Likely benign. Last evaluated: 2019-05-28. Review status: criteria provided, single submitter. Criteria: GeneDx Variant Classification Process June 2021. Collection method: clinical testing. Allele origin: germline. Affected: yes.
Comment: This variant is associated with the following publications: (PMID: 24501762)

PreventionGenetics, part of Exact Sciences
Classification: Likely benign for ALG13-related condition. Last evaluated: 2024-08-28. Review status: no assertion criteria provided. Collection method: clinical testing. Allele origin: germline. Not counted in ClinVar's aggregate classification.
Comment: This variant is classified as likely benign based on ACMG/AMP sequence variant interpretation guidelines (Richards et al. 2015 PMID: 25741868, with internal and published modifications).